The following is an entry in ClinVar:

NM_001540.5(HSPB1):c.539C>T (p.Thr180Ile)

Gene: HSPB1 (heat shock protein family B (small) member 1; plus strand). Cytogenetic location: 7q11.23.
Variant type: single nucleotide variant.
Coding change: c.539C>T on transcript NM_001540.5 (MANE Select); coding-DNA position 539, C replaced by T.
Protein change: p.Thr180Ile; replaces threonine 180 with isoleucine.
Molecular consequence: missense variant.
Genome position (GRCh38, 1-based): chr7:76,304,094, C>T. VCF-style: chr7-76304094-C-T. GRCh37 (hg19) VCF-style: chr7-75933411-C-T.
Other names: c.539C>T (LRG_248t1); short protein forms T180I.
Identifiers: ClinVar variation 447531 (VCV000447531.13), dbSNP rs1422978230, ClinGen allele CA367766323.

ClinVar aggregate classification (germline): Pathogenic/Likely pathogenic. Review status: criteria provided, multiple submitters, no conflicts (2 of 4 stars). 4 submissions from 4 submitters: Pathogenic (2); Likely pathogenic (1). 1 of the submissions does not count toward it. Last evaluated 2025-05-04.

Conditions:
Charcot-Marie-Tooth disease. Also called: Charcot-Marie-Tooth Neuropathy; Charcot-Marie-Tooth Hereditary Neuropathy. Identifiers: Orphanet 166, MedGen C0007959, MONDO:0015626.
Charcot-Marie-Tooth disease axonal type 2F (CMT2F). Also called: CHARCOT-MARIE-TOOTH DISEASE, NEURONAL, TYPE 2F; Charcot-Marie-Tooth Neuropathy Type 2F. Identifiers: Orphanet 99940, MedGen C1847823, MONDO:0011687, OMIM 606595.

Submissions (4):

Labcorp Genetics (formerly Invitae), Labcorp
Classification: Pathogenic for Charcot-Marie-Tooth disease axonal type 2F. Last evaluated: 2025-05-04. Review status: criteria provided, single submitter. Criteria: Invitae Variant Classification Sherloc (09022015). Collection method: clinical testing. Allele origin: germline.
Comment: This sequence change replaces threonine, which is neutral and polar, with isoleucine, which is neutral and non-polar, at codon 180 of the HSPB1 protein (p.Thr180Ile). This variant is not present in population databases (gnomAD no frequency). This missense change has been observed in individual(s) with autosomal dominant Charcot-Marie-Tooth disease type 2 or distal hereditary motor neuropathy (PMID: 20870250, 22176143, 26989944, 27862672, 28144995). In at least one individual the variant was observed to be de novo. ClinVar contains an entry for this variant (Variation ID: 447531). Invitae Evidence Modeling of protein sequence and biophysical properties (such as structural, functional, and spatial information, amino acid conservation, physicochemical variation, residue mobility, and thermodynamic stability) has been performed for this missense variant. However, the output from this modeling did not meet the statistical confidence thresholds required to predict the impact of this variant on HSPB1 protein function. For these reasons, this variant has been classified as Pathogenic.

Clinical Omics and Informatics (COIN) Unit, Neuroscience Institute, University Of Cape Town
Classification: Likely pathogenic for Charcot-Marie-Tooth disease axonal type 2F. Last evaluated: 2025-02-10. Review status: criteria provided, single submitter. Criteria: ACMG Guidelines, 2015. Collection method: research. Allele origin: germline. Inheritance: Autosomal dominant inheritance. Affected: yes. Observed: 1 variant allele, 1 heterozygote.
Comment: PM2_Supporting: variant is absent from gnomAD v4 (adequate coverage >20X confirmed). PP3 Not Met: REVEL score is 0.61. PM6 Met: 1 point awarded for 4 assumed de novo observations of the variant in probands with phenotype consistent with gene but not highly specific and high genetic heterogeneity (PMID 27862672, 26989944, 28144995, 20870250). PP1 Not Met: 1 informative meiosis in 2 different families (PMID 33381078, 22176143). PS4_Moderate: variant found in 6 unrelated probands with consistent phenotype for disorder (PMID 35330153, 26989944, 31832804, 33381078, 22176143). PS3_Supporting: functional studies provide supportive evidence that this variant has a damaging effect on the gene or gene product (PMID 25220807). Sequencing funded by the International Centre for Genomic Medicine in Neuromuscular Diseases (ICGNMD).

Athena Diagnostics
Classification: Pathogenic. Last evaluated: 2017-02-23. Review status: criteria provided, single submitter. Criteria: Athena Diagnostics Criteria. Collection method: clinical testing. Allele origin: germline.

Inherited Neuropathy Consortium
Classification: Uncertain significance for Charcot-Marie-Tooth disease. Review status: no assertion criteria provided. Collection method: literature only. Allele origin: germline. Affected: yes. Not counted in ClinVar's aggregate classification.

Literature cited by the submitters: PubMed 20870250 (cited by 4 submitters); PubMed 22176143 (cited by Labcorp Genetics (formerly Invitae), Labcorp and Clinical Omics and Informatics (COIN) Unit, Neuroscience Institute, University Of Cape Town); PubMed 26989944 (cited by Labcorp Genetics (formerly Invitae), Labcorp and Clinical Omics and Informatics (COIN) Unit, Neuroscience Institute, University Of Cape Town); PubMed 27862672 (cited by Labcorp Genetics (formerly Invitae), Labcorp and Clinical Omics and Informatics (COIN) Unit, Neuroscience Institute, University Of Cape Town); PubMed 28144995 (cited by Labcorp Genetics (formerly Invitae), Labcorp and Clinical Omics and Informatics (COIN) Unit, Neuroscience Institute, University Of Cape Town); PubMed 33381078 (cited by Clinical Omics and Informatics (COIN) Unit, Neuroscience Institute, University Of Cape Town); PubMed 25220807 (cited by Clinical Omics and Informatics (COIN) Unit, Neuroscience Institute, University Of Cape Town).